The following is an entry in ClinVar:

NM_019885.4(CYP26B1):c.1528G>A (p.Ala510Thr)

Gene: CYP26B1 (cytochrome P450 family 26 subfamily B member 1; minus strand). Cytogenetic location: 2p13.2.
Variant type: single nucleotide variant.
Coding change: c.1528G>A on transcript NM_019885.4 (MANE Select); coding-DNA position 1528, G replaced by A.
Protein change: p.Ala510Thr; replaces alanine 510 with threonine.
Molecular consequence: missense variant.
Genome position (GRCh38, 1-based): chr2:72,132,238, C>T on the plus strand (G>A on the coding strand, the complement: CYP26B1 is on the minus strand). VCF-style: chr2-72132238-C-T. GRCh37 (hg19) VCF-style: chr2-72359367-C-T.
Other names: c.1528G>A (NM_019885.2); c.1303G>A, p.Ala435Thr (NM_001277742.2); short protein forms A510T, A435T.
Identifiers: ClinVar variation 1374227 (VCV001374227.7), dbSNP rs754415899, ClinGen allele CA1707726.

ClinVar aggregate classification (germline): Uncertain significance. Review status: criteria provided, multiple submitters, no conflicts (2 of 4 stars). 2 submissions from 2 submitters: Uncertain significance (2). Last evaluated 2025-08-06.

Conditions:
Inborn genetic diseases. Identifiers: MedGen C0950123, MeSH D030342.

Allele frequency attached by ClinVar (database versions not stated): gnomAD exomes 0.00001 and 0.00004; gnomAD 0.00003; TOPMed 0.00005.

Submissions (2):

Ambry Genetics
Classification: Uncertain significance for Inborn genetic diseases. Last evaluated: 2025-08-06. Review status: criteria provided, single submitter. Criteria: Ambry Variant Classification Scheme 2023. Collection method: clinical testing. Allele origin: germline.

Labcorp Genetics (formerly Invitae), Labcorp
Classification: Uncertain significance. Last evaluated: 2024-05-21. Review status: criteria provided, single submitter. Criteria: Invitae Variant Classification Sherloc (09022015). Collection method: clinical testing. Allele origin: germline.
Comment: This sequence change replaces alanine, which is neutral and non-polar, with threonine, which is neutral and polar, at codon 510 of the CYP26B1 protein (p.Ala510Thr). The frequency data for this variant in the population databases is considered unreliable, as metrics indicate poor data quality at this position in the gnomAD database. This variant has not been reported in the literature in individuals affected with CYP26B1-related conditions. ClinVar contains an entry for this variant (Variation ID: 1374227). An algorithm developed to predict the effect of missense changes on protein structure and function (PolyPhen-2) suggests that this variant¬†is likely to be tolerated. In summary, the available evidence is currently insufficient to determine the role of this variant in disease. Therefore, it has been classified as a Variant of Uncertain Significance.